The following is an entry in ClinVar:

ClinVar aggregate classification (germline): Likely pathogenic (1 of 4 stars; one submission).

Conditions:
Cardiovascular phenotype. Identifiers: MedGen CN230736.

Submission:

Ambry Genetics
Classification: Likely pathogenic for Cardiovascular phenotype. Last evaluated: 2021-04-22. Review status: criteria provided, single submitter. Criteria: Ambry Variant Classification Scheme 2023. Collection method: clinical testing. Allele origin: germline.
Comment: The c.62-36_66del41insTGAAG variant results from a deletion of 41 nucleotides and insertion of 5 nucleotides at positions c.62-36 to c.66 and involves the canonical splice acceptor site before coding exon 2 of the ACVRL1 gene. The canonical splice acceptor site is highly conserved in available vertebrate species. Using the BDGP and ESEfinder splice site prediction tools, this alteration is predicted to abolish the native acceptor splice site; however, direct evidence is unavailable. Alterations that disrupt the canonical splice site are expected to cause aberrant splicing, resulting in an abnormal protein or a transcript that is subject to nonsense-mediated mRNA decay. As such, this alteration is classified as likely pathogenic.

NM_000020.3(ACVRL1):c.62-36_66delinsTGAAG

Gene: ACVRL1 (activin A receptor like type 1; plus strand). Cytogenetic location: 12q13.13.
Variant type: Indel.
Coding change: c.62-36_66delinsTGAAG on transcript NM_000020.3 (MANE Select); 36 bases into the intron before coding-DNA position 62 through coding-DNA position 66, the reference bases replaced by TGAAG.
Molecular consequence: splice acceptor variant.
Genome position (GRCh38, 1-based): chr12:51,913,063-51,913,103, 41 bases replaced. GRCh37 (hg19): chr12:52,306,847-52,306,887.
Other names: c.62-36_66delinsTGAAG (NM_001077401.2).
Identifiers: ClinVar variation 1752360 (VCV001752360.2), dbSNP rs2540158011, ClinGen allele CA2580086421.